The following is an entry in ClinVar:

NM_000053.4(ATP7B):c.768_771dup (p.Thr258fs)

Gene: ATP7B (ATPase copper transporting beta; minus strand). Cytogenetic location: 13q14.3.
Variant type: Duplication.
Coding change: c.768_771dup on transcript NM_000053.4 (MANE Select); coding-DNA positions 768 to 771, 4 bases duplicated (GGTC; older notation c.768_771dupGGTC).
Protein change: p.Thr258fs; shifts the reading frame from threonine 258.
Molecular consequence: frameshift variant.
Genome position (GRCh38, 1-based): chr13:51,974,449-51,974,452, GACC duplicated on the plus strand (GGTC on the coding strand, the reverse complement: ATP7B is on the minus strand). VCF-style (leftmost placement, unchanged base first): chr13-51974448-T-TGACC. GRCh37 (hg19) VCF-style: chr13-52548584-T-TGACC.
Other names: c.768_771dup, p.Thr258fs (NM_001005918.3, NM_001243182.2, NM_001330578.2 and 30 more transcripts); c.672_675dup, p.Thr226fs (NM_001406517.1, NM_001406518.1, NM_001406530.1 and 4 more transcripts); short protein forms T226fs, T258fs.
Identifiers: ClinVar variation 2716713 (VCV002716713.3), dbSNP rs2547818839, ClinGen allele CA2697551887.
Genomic context (GRCh38, chr13:51,974,448, plus strand): 5'-TTTCTTCAATATTCAAGACGCAAGACTTACAATGCATTCCATCTATTCTCAGTTGGAGGG[T>TGACC]GACCACATGGCTTCCTTGGTGCCCCAAGGTCTCAGAATTATTAAAATTCTGGTTAGCAGA-3'

ClinVar aggregate classification (germline): Pathogenic (1 of 4 stars; one submission).

Conditions:
Wilson disease (WND). Also called: Wilson's disease. Identifiers: Orphanet 905, MedGen C0019202, MONDO:0010200, OMIM 277900. Disease mechanism: loss of function.

Submission:

Labcorp Genetics (formerly Invitae), Labcorp
Classification: Pathogenic for Wilson disease. Last evaluated: 2023-11-15. Review status: criteria provided, single submitter. Criteria: Invitae Variant Classification Sherloc (09022015). Collection method: clinical testing. Allele origin: germline.
Comment: This sequence change creates a premature translational stop signal (p.Thr258Glyfs*13) in the ATP7B gene. It is expected to result in an absent or disrupted protein product. Loss-of-function variants in ATP7B are known to be pathogenic (PMID: 10441329, 16283883). This variant is not present in population databases (gnomAD no frequency). This variant has not been reported in the literature in individuals affected with ATP7B-related conditions. For these reasons, this variant has been classified as Pathogenic.

Literature cited by the submitters: PubMed 10441329; PubMed 16283883.